The following is an entry in ClinVar:

ClinVar aggregate classification (germline): Pathogenic (1 of 4 stars; one submission).

Conditions:
Ataxia-telangiectasia syndrome (AT). Also called: LOUIS-BAR SYNDROME; Ataxia telangiectasia (A-T); Ataxia-telangiectasia, complementation group D; Cerebello-oculocutaneous telangiectasia; Immunodeficiency with ataxia telangiectasia; Ataxia-telangiectasia. Identifiers: Orphanet 100, MedGen C0004135, MONDO:0008840, OMIM 208900.

Submission:

Labcorp Genetics (formerly Invitae), Labcorp
Classification: Pathogenic for Ataxia-telangiectasia syndrome. Last evaluated: 2019-12-23. Review status: criteria provided, single submitter. Criteria: Invitae Variant Classification Sherloc (09022015). Collection method: clinical testing. Allele origin: germline.
Comment: For these reasons, this variant has been classified as Pathogenic. Loss-of-function variants in ATM are known to be pathogenic (PMID: 23807571, 25614872). This variant has not been reported in the literature in individuals with ATM-related conditions. This variant is not present in population databases (ExAC no frequency). This sequence change creates a premature translational stop signal (p.Ala920Glnfs*9) in the ATM gene. It is expected to result in an absent or disrupted protein product.

Literature cited by the submitters: PubMed 23807571; PubMed 25614872.

NM_000051.4(ATM):c.2758del (p.Ala920fs)

Gene: ATM (ATM serine/threonine kinase; plus strand). Cytogenetic location: 11q22.3.
Variant type: Deletion.
Coding change: c.2758del on transcript NM_000051.4 (MANE Select); coding-DNA position 2758, one base deleted (G; older notation c.2758delG).
Protein change: p.Ala920fs; shifts the reading frame from alanine 920.
Molecular consequence: frameshift variant.
Genome position (GRCh38, 1-based): chr11:108,268,529, G deleted; the last of 3 consecutive G bases (chr11:108,268,527-108,268,529); deleting any one gives the same sequence. VCF-style (leftmost placement, unchanged base first): chr11-108268526-AG-A. GRCh37 (hg19) VCF-style: chr11-108139253-AG-A.
Other names: c.2758del, p.Ala920fs (NM_001351834.2); short protein forms A920fs.
Identifiers: ClinVar variation 864501 (VCV000864501.7), dbSNP rs2081389278, ClinGen allele CA916079935.